The following is an entry in ClinVar:

NM_007294.4(BRCA1):c.626C>T (p.Pro209Leu)

Gene: BRCA1 (BRCA1 DNA repair associated; minus strand). Cytogenetic location: 17q21.31.
Variant type: single nucleotide variant.
Coding change: c.626C>T on transcript NM_007294.4 (MANE Select); coding-DNA position 626, C replaced by T.
Protein change: p.Pro209Leu; replaces proline 209 with leucine.
Molecular consequence: missense variant. On other transcripts: non-coding transcript variant (1).
Genome position (GRCh38, 1-based): chr17:43,095,890, G>A on the plus strand (C>T on the coding strand, the complement: BRCA1 is on the minus strand). VCF-style: chr17-43095890-G-A. GRCh37 (hg19) VCF-style: chr17-41247907-G-A.
Other names: c.413C>T, p.Pro138Leu (NM_001407571.1, NM_001407853.1, NM_001407894.1 and 12 more transcripts); c.626C>T, p.Pro209Leu (NM_001407581.1, NM_001407582.1, NM_001407583.1 and 59 more transcripts); c.623C>T, p.Pro208Leu (NM_001407587.1, NM_001407590.1, NM_001407591.1 and 41 more transcripts); c.617C>T, p.Pro206Leu (NM_001407646.1, NM_001407647.1, NM_001408408.1); c.548C>T, p.Pro183Leu (NM_001407653.1, NM_001407654.1, NM_001407655.1 and 9 more transcripts); c.545C>T, p.Pro182Leu (NM_001407659.1, NM_001407660.1, NM_001407661.1 and 3 more transcripts); c.485C>T, p.Pro162Leu (NM_001407692.1, NM_001407694.1, NM_001407695.1 and 43 more transcripts); c.482C>T, p.Pro161Leu (NM_001407740.1, NM_001407741.1, NM_001407742.1 and 26 more transcripts); and 4 more; short protein forms P209L, P162L, P183L, P82L, P138L, P164L, P161L, P81L.
Identifiers: ClinVar variation 409315 (VCV000409315.30), dbSNP rs201596327, ClinGen allele CA056615.

ClinVar aggregate classification (germline): Conflicting classifications of pathogenicity. Review status: criteria provided, conflicting classifications (1 of 4 stars). 7 submissions from 7 submitters: Uncertain significance (6); Benign (1). Last evaluated 2025-11-11.

Conditions:
BRCA1-related cancer predisposition. Identifiers: MedGen CN377757, MONDO:0700268.
BRCA1-related disorder. Also called: BRCA1-related condition.
Hereditary cancer-predisposing syndrome. Also called: Hereditary Cancer Syndrome; Hereditary neoplastic syndrome; Neoplastic Syndromes, Hereditary; Tumor predisposition. Identifiers: Orphanet 140162, MedGen C0027672, MeSH D009386, MONDO:0015356.
Hereditary breast ovarian cancer syndrome. Also called: BRCA1- and BRCA2-Associated Hereditary Breast and Ovarian Cancer; Hereditary breast and ovarian cancer syndrome (HBOC); Hereditary breast and ovarian cancer; Hereditary breast and ovarian cancer syndrome; Breast and ovarian cancer; Hereditary breast and/or ovarian cancer syndrome. Identifiers: Orphanet 145, MedGen C0677776, MeSH D061325, MONDO:0003582. Disease mechanism: loss of function.

Allele frequency attached by ClinVar (database versions not stated): gnomAD exomes below 0.00001 and 0.00001; ExAC 0.00001; gnomAD 0.00002; 1000 Genomes Project 30x 0.00016; 1000 Genomes Project 0.00020.
gnomAD v4.1: 16 of 1,613,812 alleles (0.00099%); highest among the groups gnomAD compares: East Asian, 0.036%; no homozygotes.

Submissions (7):

Color Diagnostics, LLC DBA Color Health
Classification: Benign for Hereditary cancer-predisposing syndrome. Last evaluated: 2025-11-11. Review status: criteria provided, single submitter. Criteria: ACMG Guidelines, 2015. Collection method: clinical testing. Allele origin: germline.

Labcorp Genetics (formerly Invitae), Labcorp
Classification: Uncertain significance for Hereditary breast ovarian cancer syndrome. Last evaluated: 2025-06-14. Review status: criteria provided, single submitter. Criteria: Invitae Variant Classification Sherloc (09022015). Collection method: clinical testing. Allele origin: germline.
Comment: This sequence change replaces proline, which is neutral and non-polar, with leucine, which is neutral and non-polar, at codon 209 of the BRCA1 protein (p.Pro209Leu). This variant is present in population databases (rs201596327, gnomAD 0.006%). This missense change has been observed in individual(s) with breast cancer as well as healthy individuals (PMID: 19016756, 27124784, 28179634, 28364669, 30287823). ClinVar contains an entry for this variant (Variation ID: 409315). Invitae Evidence Modeling of protein sequence and biophysical properties (such as structural, functional, and spatial information, amino acid conservation, physicochemical variation, residue mobility, and thermodynamic stability) indicates that this missense variant is not expected to disrupt BRCA1 protein function with a negative predictive value of 80%. In summary, the available evidence is currently insufficient to determine the role of this variant in disease. Therefore, it has been classified as a Variant of Uncertain Significance.

Ambry Genetics
Classification: Uncertain significance for Hereditary cancer-predisposing syndrome. Last evaluated: 2025-04-23. Review status: criteria provided, single submitter. Criteria: Ambry Variant Classification Scheme 2023. Collection method: clinical testing. Allele origin: germline.
Comment: The p.P209L variant (also known as c.626C>T), located in coding exon 8 of the BRCA1 gene, results from a C to T substitution at nucleotide position 626. The proline at codon 209 is replaced by leucine, an amino acid with similar properties. In one study, this alteration was reported with a carrier frequency of 11 in 7051 unselected breast cancer patients and 20 in 11241 female controls of Japanese ancestry (Momozawa Y et al. Nat Commun, 2018 10;9:4083). This variant has also been reported in additional Japanese and Korean patients with personal and/or family histories of breast and/or ovarian cancer (Sugano K et al. Cancer Sci. 2008 Oct;99:1967-76; Nakamura S et al. Breast Cancer. 2015 Sep;22:462-8; Park KS et al. Genet. Med. 2016 Dec;18:1250-1257; Ahmadloo S et al. J. Hum. Genet. 2017 Apr;62:561-567; Ryu JM et al. Breast. 2017 Jun;33:109-116; Arai M et al. J. Hum. Genet., 2018 Apr;63:447-457). This amino acid position is poorly conserved in available vertebrate species. In addition, the in silico prediction for this alteration is inconclusive. Since supporting evidence is limited at this time, the clinical significance of this alteration remains unclear.

All of Us Research Program, National Institutes of Health
Classification: Uncertain significance for BRCA1-related cancer predisposition. Last evaluated: 2024-07-29. Review status: criteria provided, single submitter. Criteria: ACMG Guidelines, 2015. Collection method: clinical testing. Allele origin: germline. Inheritance: Autosomal dominant inheritance. Observed: 1 variant allele, 1 heterozygote.
Comment: This missense variant replaces proline with leucine at codon 209 of the BRCA1 protein. Computational prediction is inconclusive regarding the impact of this variant on protein structure and function. To our knowledge, functional studies have not been reported for this variant. This variant has been reported in a few individuals with personal or family history of breast and/or ovarian cancer in East Asia (PMID: 19016756, 24249303, 27124784, 28179634, 29176636). However, one study reported a co-occurring pathogenic missense variant in BRCA1, p.Leu1780Pro (PMID: 28364669) and a multifactorial analysis reported a posterior probability of being deleterious of 0.00221 (PMID: 27124784). Case-control studies in the Japanese population has reported this variant in 11/7051 female breast cancer cases and 20/11241 unaffected females (OR = 0.88 and 95% CI 0.4 to 1.9) and in 1/1005 pancreatic cancer cases and 35/23705 unaffected individuals (OR = 0.7 (95% CI 0 to 4) (PMID: 30287823, 32980694). This variant has been identified in 1/250978 chromosomes in the general population by the Genome Aggregation Database (gnomAD). Although there is a suspicion that this variant is not associated with BRCA1-associated disease, additional studies are necessary to determine the role of this variant in disease conclusively. Therefore, this variant is classified as a Variant of Uncertain Significance.

This study involves interpretation of variants in research participants for the purpose of population health screening. Participant phenotype was not available at the time of variant classification. Additional details can be found in publication PMID: 35346344, PMCID: PMC8962531

Women's Health and Genetics/Laboratory Corporation of America, LabCorp
Classification: Uncertain significance. Last evaluated: 2024-02-06. Review status: criteria provided, single submitter. Criteria: LabCorp Variant Classification Summary - May 2015. Collection method: clinical testing. Allele origin: germline.
Comment: Variant summary: BRCA1 c.626C>T (p.Pro209Leu) results in a non-conservative amino acid change in the encoded protein sequence. Three of five in-silico tools predict a benign effect of the variant on protein function. The variant allele was found at a frequency of 8e-05 in 276206 control chromosomes (gnomAD and publication data). This frequency is not significantly higher than expected for a pathogenic variant in BRCA1 causing Hereditary Breast And Ovarian Cancer Syndrome (8e-05 vs 0.001), allowing no conclusion about variant significance. However, this variant has been reported at a frequency of 0.0013 in Japanese population (Ahmadloo_2017). c.626C>T has been reported in the literature in individuals affected with breast and/or ovarian cancer, and multiple primary cancer (Ahmadloo_2017, Nakamura_2013, Park_2016, Ryu_2017, Sugano_2008, Fujitani_2023). One large case-control study evaluating Biliary tract cancer genetic risk also reported this variant was not significantly enriched in the case cohorts (Okawa_2023).These report(s) do not provide unequivocal conclusions about association of the variant with Hereditary Breast And Ovarian Cancer Syndrome. To our knowledge, no experimental evidence demonstrating an impact on protein function has been reported. The following publications have been ascertained in the context of this evaluation (PMID: 28179634, 29176636, 33309985, 30287823, 24249303, 36243179, 27124784, 28364669, 19016756). ClinVar contains an entry for this variant (Variation ID: 409315). Based on the evidence outlined above, the variant was classified as uncertain significance.

PreventionGenetics, part of Exact Sciences
Classification: Uncertain significance for BRCA1-related condition. Last evaluated: 2023-03-27. Review status: criteria provided, single submitter. Criteria: ACMG Guidelines, 2015. Collection method: clinical testing. Allele origin: germline.
Comment: The BRCA1 c.626C>T variant is predicted to result in the amino acid substitution p.Pro209Leu. This variant has been reported in individuals with breast and/or ovarian cancer (Ahmadloo et al. 2017. PubMed ID: 28179634; Ryu et al. 2017. PubMed ID: 28364669; Arai et al. 2018. PubMed ID: 29176636; Supplementary Data File S1, Kim et al. 2020. PubMed ID: 31907386). Of note this variant has also been reported in control populations (Momozawa et al. 2018. PubMed ID: 30287823) and is reported in 0.0054% of alleles in individuals of East Asian descent in gnomAD. This variant is also reported as a variant of uncertain significance in ClinVar. At this time, the clinical significance of this variant is uncertain due to the absence of conclusive functional and genetic evidence.

Quest Diagnostics Nichols Institute San Juan Capistrano
Classification: Uncertain significance. Last evaluated: 2019-12-20. Review status: criteria provided, single submitter. Criteria: Quest Diagnostics criteria. Collection method: clinical testing. Allele origin: unknown.

Literature cited by the submitters: PubMed 19016756 (cited by 5 submitters); PubMed 27124784 (cited by 5 submitters); PubMed 28179634 (cited by 5 submitters); PubMed 28364669 (cited by 5 submitters); PubMed 30287823 (cited by 5 submitters); PubMed 24249303 (cited by 4 submitters); PubMed 29176636 (cited by 3 submitters); PubMed 31907386 (cited by Ambry Genetics); PubMed 32980694 (cited by All of Us Research Program, National Institutes of Health); PubMed 33309985 (cited by Women's Health and Genetics/Laboratory Corporation of America, LabCorp); PubMed 36243179 (cited by Women's Health and Genetics/Laboratory Corporation of America, LabCorp).